The following is an entry in ClinVar:

NM_198578.4(LRRK2):c.4391C>G (p.Ala1464Gly)

Gene: LRRK2 (leucine rich repeat kinase 2; plus strand). Cytogenetic location: 12q12.
Variant type: single nucleotide variant.
Coding change: c.4391C>G on transcript NM_198578.4 (MANE Select); coding-DNA position 4391, C replaced by G.
Protein change: p.Ala1464Gly; replaces alanine 1464 with glycine.
Molecular consequence: missense variant.
Genome position (GRCh38, 1-based): chr12:40,310,504, C>G. VCF-style: chr12-40310504-C-G. GRCh37 (hg19) VCF-style: chr12-40704306-C-G.
Other names: short protein forms A1464G.
Identifiers: ClinVar variation 1491788 (VCV001491788.7), dbSNP rs1040765034, ClinGen allele CA235358094.

ClinVar aggregate classification (germline): Uncertain significance. Review status: criteria provided, multiple submitters, no conflicts (2 of 4 stars). 2 submissions from 2 submitters: Uncertain significance (2). Last evaluated 2024-05-06.

Conditions:
Autosomal dominant Parkinson disease 8. Also called: Parkinson disease 8, susceptibility to; LRRK2-Related Parkinson Disease; Parkinson disease 8. Identifiers: Orphanet 411602, MedGen C1846862, MONDO:0011764, OMIM 607060.

Allele frequency attached by ClinVar (database versions not stated): gnomAD exomes below 0.00001; gnomAD 0.00001.
gnomAD v4.1: 18 of 1,612,592 alleles (0.0011%); highest among the groups gnomAD compares: African/African-American, 0.019%; 1 homozygote.

Submissions (2):

Labcorp Genetics (formerly Invitae), Labcorp
Classification: Uncertain significance for Autosomal dominant Parkinson disease 8. Last evaluated: 2024-05-06. Review status: criteria provided, single submitter. Criteria: Invitae Variant Classification Sherloc (09022015). Collection method: clinical testing. Allele origin: germline.
Comment: This sequence change replaces alanine, which is neutral and non-polar, with glycine, which is neutral and non-polar, at codon 1464 of the LRRK2 protein (p.Ala1464Gly). The frequency data for this variant in the population databases is considered unreliable, as metrics indicate poor data quality at this position in the gnomAD database. This missense change has been observed in individual(s) with clinical features of Parkinson disease (PMID: 22445250; Invitae). ClinVar contains an entry for this variant (Variation ID: 1491788). Advanced modeling of protein sequence and biophysical properties (such as structural, functional, and spatial information, amino acid conservation, physicochemical variation, residue mobility, and thermodynamic stability) has been performed at Invitae for this missense variant, however the output from this modeling did not meet the statistical confidence thresholds required to predict the impact of this variant on LRRK2 protein function. In summary, the available evidence is currently insufficient to determine the role of this variant in disease. Therefore, it has been classified as a Variant of Uncertain Significance.

Genomic Medicine Center of Excellence, King Faisal Specialist Hospital and Research Centre
Classification: Uncertain significance for Autosomal dominant Parkinson disease 8. Last evaluated: 2024-03-25. Review status: criteria provided, single submitter. Criteria: ACMG Guidelines, 2015. Collection method: clinical testing. Allele origin: germline.

Literature cited by the submitters: PubMed 22445250 (cited by Labcorp Genetics (formerly Invitae), Labcorp).